The following is an entry in ClinVar:

ClinVar aggregate classification (germline): Conflicting classifications of pathogenicity. Review status: criteria provided, conflicting classifications (1 of 4 stars). 4 submissions from 4 submitters: Uncertain significance (2); Likely benign (2). Last evaluated 2025-01-21.

Conditions:
Osteogenesis imperfecta (OI). Identifiers: Orphanet 666, MedGen C0029434, MeSH D010013, MONDO:0019019.
Ehlers-Danlos syndrome (EDS). Identifiers: Orphanet 98249, MedGen C0013720, MONDO:0020066.
Osteogenesis imperfecta type I (OI1). Also called: Lobstein disease; Osteogenesis imperfecta type 1; OI, TYPE I; OSTEOGENESIS IMPERFECTA TARDA; OSTEOGENESIS IMPERFECTA WITH BLUE SCLERAE; Lobstein's Disease. Identifiers: Orphanet 216796, Orphanet 666, MedGen C0023931, MONDO:0008146, OMIM 166200. Disease mechanism: loss of function.

Allele frequency attached by ClinVar (database versions not stated): gnomAD exomes 0.00002; ExAC 0.00003.
gnomAD v4.1: 35 of 1,612,356 alleles (0.0022%); highest among the groups gnomAD compares: Admixed American, 0.0034%; no homozygotes.

Submissions (4):

Mayo Clinic Laboratories, Mayo Clinic
Classification: Likely benign. Last evaluated: 2025-01-21. Review status: criteria provided, single submitter. Criteria: ACMG Guidelines, 2015. Collection method: clinical testing. Allele origin: germline. Observed: 1 variant allele.
Comment: BP4, BP7

Labcorp Genetics (formerly Invitae), Labcorp
Classification: Uncertain significance for Osteogenesis imperfecta type I. Last evaluated: 2024-01-19. Review status: criteria provided, single submitter. Criteria: Invitae Variant Classification Sherloc (09022015). Collection method: clinical testing. Allele origin: germline.
Comment: This sequence change affects codon 433 of the COL1A1 mRNA. It is a 'silent' change, meaning that it does not change the encoded amino acid sequence of the COL1A1 protein. It affects a nucleotide within the consensus splice site. This variant is present in population databases (rs776229611, gnomAD 0.006%). This variant has not been reported in the literature in individuals affected with COL1A1-related conditions. ClinVar contains an entry for this variant (Variation ID: 577548). Algorithms developed to predict the effect of sequence changes on RNA splicing suggest that this variant is not likely to affect RNA splicing. In summary, the available evidence is currently insufficient to determine the role of this variant in disease. Therefore, it has been classified as a Variant of Uncertain Significance.

ARUP Laboratories, Molecular Genetics and Genomics, ARUP Laboratories
Classification: Likely benign. Last evaluated: 2023-01-04. Review status: criteria provided, single submitter. Criteria: ARUP Molecular Germline Variant Investigation Process 2024. Collection method: clinical testing. Allele origin: germline.

Breakthrough Genomics
Classification: Uncertain significance. Review status: criteria provided, single submitter. Criteria: ACMG Guidelines, 2015. Collection method: not provided. Allele origin: germline. Inheritance: Autosomal dominant inheritance. Affected: yes.

NM_000088.4(COL1A1):c.1299C>T (p.Ser433=)

Gene: COL1A1 (collagen type I alpha 1 chain; minus strand). Cytogenetic location: 17q21.33.
Variant type: single nucleotide variant.
Coding change: c.1299C>T on transcript NM_000088.4 (MANE Select); coding-DNA position 1299, C replaced by T.
Protein change: p.Ser433=; no amino-acid change (serine 433 retained).
Molecular consequence: synonymous variant.
Genome position (GRCh38, 1-based): chr17:50,195,232, G>A on the plus strand (C>T on the coding strand, the complement: COL1A1 is on the minus strand). VCF-style: chr17-50195232-G-A. GRCh37 (hg19) VCF-style: chr17-48272593-G-A.
Other names: p.Ser433=.
Identifiers: ClinVar variation 577548 (VCV000577548.11), dbSNP rs776229611, ClinGen allele CA8645324.
Genomic context (GRCh38, chr17:50,195,232, plus strand): 5'-GATGAGAGCCGCACTGGAGCCAGTGCATGGGGTGGGCAGAAGGGAGAGTTTGGTACTCAC[G>A]CTGTTACCCTTGGGACCAGGAGGGCCGCCGGGGCCCTGGGGTCCAGAGGGGCCTCGGGCA-3'
Protein context (NP_000079.2, residues 423-443): PGGPPGPKGN[Ser433=]GEPGAPGSKG